The following is an entry in ClinVar:

NM_001365536.1(SCN9A):c.1107+48C>T

Genes: SCN1A-AS1 (SCN1A and SCN9A antisense RNA 1; plus strand), SCN9A (sodium voltage-gated channel alpha subunit 9; minus strand). Cytogenetic location: 2q24.3.
Variant type: single nucleotide variant.
Coding change: c.1107+48C>T on transcript NM_001365536.1 (MANE Select); 48 bases into the intron after coding-DNA position 1107, C replaced by T.
Molecular consequence: intron variant.
Genome position (GRCh38, 1-based): chr2:166,293,183, G>A on the plus strand (C>T on the coding strand, the complement: SCN9A is on the minus strand). VCF-style: chr2-166293183-G-A. GRCh37 (hg19) VCF-style: chr2-167149693-G-A.
Other names: c.1107+48C>T (NM_002977.4).
Identifiers: ClinVar variation 1332925 (VCV001332925.5), dbSNP rs7588632, ClinGen allele CA1944594.

ClinVar aggregate classification (germline): Benign. Review status: criteria provided, multiple submitters, no conflicts (2 of 4 stars). 5 submissions from 3 submitters: Benign (5). Last evaluated 2024-07-15.

Conditions:
Channelopathy-associated congenital insensitivity to pain, autosomal recessive. Also called: ASYMBOLIA FOR PAIN; CONGENITAL ANALGESIA, AUTOSOMAL RECESSIVE; Insensitivity to pain, channelopathy-associated. Identifiers: Orphanet 88642, Orphanet 970, MedGen C1855739, MONDO:0009459, OMIM 243000.
Paroxysmal extreme pain disorder (PEXPD). Also called: PAIN, SUBMANDIBULAR, OCULAR, AND RECTAL, WITH FLUSHING; RECTAL PAIN, FAMILIAL; SCN9A Paroxysmal Extreme Pain Disorder (SCN9A-PEPD). Identifiers: Orphanet 46348, MedGen C1833661, MONDO:0008179, OMIM 167400.
Primary erythromelalgia. Also called: SCN9A Erythromelalgia (SCN9A-EM); primary erythermalgia. Identifiers: Orphanet 306577, Orphanet 90026, MedGen C0014805, MONDO:0007571, OMIM 133020.

Allele frequency attached by ClinVar (database versions not stated): gnomAD exomes 0.61514 and 0.64607; ExAC 0.65743; ESP Exome Variant Server 0.69483; gnomAD 0.70224 and 0.70514; TOPMed 0.70442; 1000 Genomes Project 0.74161; 1000 Genomes Project 30x 0.74313.
gnomAD v4.1: 951,546 of 1,524,274 alleles (62%); highest among the groups gnomAD compares: African/African-American, 90%; 301,324 homozygotes.

Submissions (5):

Unidad de Genómica Garrahan, Hospital de Pediatría Garrahan
Classification: Benign. Last evaluated: 2024-07-15. Review status: criteria provided, single submitter. Criteria: ACMG Guidelines, 2015. Collection method: clinical testing. Allele origin: germline. Affected: no. Observed: 71 variant alleles.
Comment: This variant is classified as Benign based on local population frequency. This variant was detected in 76% of patients studied in a panel designed for Epileptic and Developmental Encephalopathy and Progressive Myoclonus Epilepsy. Number of patients: 71. Only high quality variants are reported.

Genome-Nilou Lab
Classification: Benign for Primary erythromelalgia. Last evaluated: 2021-07-15. Review status: criteria provided, single submitter. Criteria: ACMG Guidelines, 2015. Collection method: clinical testing. Allele origin: germline. Affected: no.

Genome-Nilou Lab
Classification: Benign for Channelopathy-associated congenital insensitivity to pain, autosomal recessive. Last evaluated: 2021-07-15. Review status: criteria provided, single submitter. Criteria: ACMG Guidelines, 2015. Collection method: clinical testing. Allele origin: germline. Affected: no.

Genome-Nilou Lab
Classification: Benign for Paroxysmal extreme pain disorder. Last evaluated: 2021-07-15. Review status: criteria provided, single submitter. Criteria: ACMG Guidelines, 2015. Collection method: clinical testing. Allele origin: germline. Affected: no.

Breakthrough Genomics
Classification: Benign. Review status: criteria provided, single submitter. Criteria: ACMG Guidelines, 2015. Collection method: not provided. Allele origin: germline. Inheritance: Autosomal recessive inheritance. Affected: yes.